The following is an entry in ClinVar:

ClinVar aggregate classification (germline): Uncertain significance (1 of 4 stars; one submission).

Submission:

GeneDx
Classification: Uncertain significance. Last evaluated: 2022-12-01. Review status: criteria provided, single submitter. Criteria: GeneDx Variant Classification Process June 2021. Collection method: clinical testing. Allele origin: germline. Affected: yes.
Comment: Has not been previously published as pathogenic or benign to our knowledge; Not observed at significant frequency in large population cohorts (gnomAD); Variants in candidate genes are classified as variants of uncertain significance in accordance with ACMG guidelines (Richards et al., 2015); In silico analysis supports that this missense variant does not alter protein structure/function

NM_001711.6(BGN):c.695A>G (p.Asn232Ser)

Gene: BGN (biglycan; plus strand). Cytogenetic location: Xq28.
Variant type: single nucleotide variant.
Coding change: c.695A>G on transcript NM_001711.6 (MANE Select); coding-DNA position 695, A replaced by G.
Protein change: p.Asn232Ser; replaces asparagine 232 with serine.
Molecular consequence: missense variant.
Genome position (GRCh38, 1-based): chrX:153,506,848, A>G. VCF-style: chrX-153506848-A-G. GRCh37 (hg19) VCF-style: chrX-152772306-A-G.
Other names: short protein forms N232S.
Identifiers: ClinVar variation 4526983 (VCV004526983.1).